The following is an entry in ClinVar:

ClinVar aggregate classification (germline): Likely benign (0 of 4 stars; one submission).

Conditions:
ACACB-related disorder. Also called: ACACB-related condition.

Allele frequency attached by ClinVar (database versions not stated): gnomAD 0.00001; gnomAD exomes 0.00001; ExAC 0.00002; TOPMed 0.00002.
gnomAD v4.1: 6 of 1,603,862 alleles (0.00037%); highest among the groups gnomAD compares: African/African-American, 0.0054%; no homozygotes.

Submission:

PreventionGenetics, part of Exact Sciences
Classification: Likely benign for ACACB-related condition. Last evaluated: 2021-09-01. Review status: no assertion criteria provided. Collection method: clinical testing. Allele origin: germline.
Comment: This variant is classified as likely benign based on ACMG/AMP sequence variant interpretation guidelines (Richards et al. 2015 PMID: 25741868, with internal and published modifications).

NM_001093.4(ACACB):c.1980+9T>G

Gene: ACACB (acetyl-CoA carboxylase beta; plus strand). Cytogenetic location: 12q24.11.
Variant type: single nucleotide variant.
Coding change: c.1980+9T>G on transcript NM_001093.4 (MANE Select); 9 bases into the intron after coding-DNA position 1980, T replaced by G.
Molecular consequence: intron variant.
Genome position (GRCh38, 1-based): chr12:109,185,749, T>G. VCF-style: chr12-109185749-T-G. GRCh37 (hg19) VCF-style: chr12-109623554-T-G.
Other names: c.1980+9T>G (NM_001412734.1, NM_001412735.1); c.1353+9T>G (NM_001412737.1); c.1374+9T>G (NM_001412736.1, NM_001412738.1, NM_001412739.1 and 2 more transcripts).
Identifiers: ClinVar variation 3052148 (VCV003052148.2), dbSNP rs781033112, ClinGen allele CA6773436.